The following is an entry in ClinVar:

ClinVar aggregate classification (germline): Likely pathogenic (1 of 4 stars; one submission).

Conditions:
Autosomal recessive limb-girdle muscular dystrophy type 2J (LGMDR10). Also called: Limb-girdle muscular dystrophy, type 2J; MUSCULAR DYSTROPHY, LIMB-GIRDLE, AUTOSOMAL RECESSIVE 10. Identifiers: Orphanet 140922, MedGen C1837342, MONDO:0012127, OMIM 608807.
Dilated cardiomyopathy 1G (CMD1G). Identifiers: Orphanet 154, MedGen C1858763, MONDO:0011400, OMIM 604145.

Submission:

Labcorp Genetics (formerly Invitae), Labcorp
Classification: Likely pathogenic for Dilated cardiomyopathy 1G; Autosomal recessive limb-girdle muscular dystrophy type 2J. Last evaluated: 2024-11-05. Review status: criteria provided, single submitter. Criteria: Invitae Variant Classification Sherloc (09022015). Collection method: clinical testing. Allele origin: germline.
Comment: This sequence change creates a premature translational stop signal (p.Ser35648*) in the TTN gene. While this is not anticipated to result in nonsense mediated decay, it is expected to create a truncated TTN protein. This variant is not present in population databases (gnomAD no frequency). This variant has not been reported in the literature in individuals affected with TTN-related conditions. This variant is located in the M band of TTN (PMID: 25589632). Truncating variants in this region have been previously reported in individuals affected with autosomal dominant or autosomal recessive myopathy and muscular dystrophy (PMID: 18948003, 23975875, 24395473). Truncating variants in this region have also been identified in individuals affected with autosomal dominant dilated cardiomyopathy and/or cardio-related conditions (PMID: 27869827, 32964742, internal data). In summary, the currently available evidence indicates that the variant is pathogenic, but additional data are needed to prove that conclusively. Therefore, this variant has been classified as Likely Pathogenic.

Literature cited by the submitters: PubMed 25589632; PubMed 18948003; PubMed 23975875; PubMed 24395473; PubMed 27869827; PubMed 32964742.

NM_001267550.2(TTN):c.106943_106944del (p.Asn35647_Ser35648insTer)

Genes: TTN (titin; minus strand), TTN-AS1 (TTN antisense RNA 1; plus strand). Cytogenetic location: 2q31.2.
Variant type: Microsatellite.
Coding change: c.106943_106944del on transcript NM_001267550.2 (MANE Select); coding-DNA positions 106943 to 106944, 2 bases deleted (CT; older notation c.106943_106944delCT).
Protein change: p.Asn35647_Ser35648insTer.
Molecular consequence: nonsense.
Genome position (GRCh38, 1-based): chr2:178,528,807-178,528,808, AG deleted on the plus strand (CT on the coding strand, the reverse complement: TTN is on the minus strand); deleting any 2 consecutive bases within chr2:178,528,807-178,528,810 gives the same sequence; the c. name uses the placement nearest the transcript's 3' end. VCF-style (leftmost placement, unchanged base first): chr2-178528806-CAG-C. GRCh37 (hg19) VCF-style: chr2-179393533-CAG-C.
Other names: c.102020_102021del, p.Asn34006_Ser34007insTer (NM_001256850.1); c.79748_79749del, p.Asn26582_Ser26583insTer (NM_003319.4); c.99239_99240del, p.Asn33079_Ser33080insTer (NM_133378.4); c.80123_80124del, p.Asn26707_Ser26708insTer (NM_133432.3); c.80324_80325del, p.Asn26774_Ser26775insTer (NM_133437.4).
Identifiers: ClinVar variation 3752235 (VCV003752235.2).